The following is an entry in ClinVar:

ClinVar aggregate classification (germline): Uncertain significance. Review status: criteria provided, multiple submitters, no conflicts (2 of 4 stars). 2 submissions from 2 submitters: Uncertain significance (2). Last evaluated 2022-09-06.

Conditions:
Autosomal dominant osteopetrosis 1 (OPTA1). Also called: OSTEOPETROSIS, AUTOSOMAL DOMINANT, TYPE I. Identifiers: Orphanet 2783, MedGen C1843330, MONDO:0011877, OMIM 607634.
Exudative vitreoretinopathy 1 (EVR1). Also called: CRISWICK-SCHEPENS SYNDROME; FEVR, AUTOSOMAL DOMINANT; Familial exudative vitreoretinopathy, autosomal dominant. Identifiers: Orphanet 891, Orphanet 90050, MedGen C1851402, MONDO:0007589, OMIM 133780.
Polycystic liver disease 4 with or without kidney cysts. Identifiers: MedGen C4693479, MONDO:0044327, OMIM 617875.
Exudative vitreoretinopathy 4 (EVR4). Identifiers: Orphanet 891, MedGen C1866176, MONDO:0011151, OMIM 601813.
Osteoporosis with pseudoglioma (OPPG). Also called: osteoporosis-pseudoglioma syndrome. Identifiers: Orphanet 2788, MedGen C0432252, MONDO:0009820, OMIM 259770.
Worth disease. Also called: Autosomal dominant osteosclerosis, Worth type; ENDOSTEAL HYPEROSTOSIS, AUTOSOMAL DOMINANT; OSTEOSCLEROSIS, AUTOSOMAL DOMINANT. Identifiers: Orphanet 2790, MedGen C0432273, MONDO:0007764, OMIM 144750.

Allele frequency attached by ClinVar (database versions not stated): ExAC 0.00001; gnomAD 0.00001 and 0.00002; gnomAD exomes 0.00001 and 0.00002; TOPMed 0.00002.
gnomAD v4.1: 24 of 1,597,586 alleles (0.0015%); highest among the groups gnomAD compares: South Asian, 0.0022%; no homozygotes.

Submissions (2):

Labcorp Genetics (formerly Invitae), Labcorp
Classification: Uncertain significance. Last evaluated: 2022-09-06. Review status: criteria provided, single submitter. Criteria: Invitae Variant Classification Sherloc (09022015). Collection method: clinical testing. Allele origin: germline.
Comment: This sequence change replaces proline, which is neutral and non-polar, with leucine, which is neutral and non-polar, at codon 1591 of the LRP5 protein (p.Pro1591Leu). This variant is present in population databases (rs766194797, gnomAD 0.002%). This variant has not been reported in the literature in individuals affected with LRP5-related conditions. ClinVar contains an entry for this variant (Variation ID: 1481321). Algorithms developed to predict the effect of missense changes on protein structure and function are either unavailable or do not agree on the potential impact of this missense change (SIFT: "Deleterious"; PolyPhen-2: "Probably Damaging"; Align-GVGD: "Class C0"). In summary, the available evidence is currently insufficient to determine the role of this variant in disease. Therefore, it has been classified as a Variant of Uncertain Significance.

Department of Pathology and Laboratory Medicine, Sinai Health System
Classification: Uncertain significance for Exudative vitreoretinopathy 1; Worth disease; Osteoporosis with pseudoglioma; Exudative vitreoretinopathy 4; Autosomal dominant osteopetrosis 1; Polycystic liver disease 4 with or without kidney cysts. Last evaluated: 2022-04-25. Review status: criteria provided, single submitter. Criteria: ACMG Guidelines, 2015. Collection method: research. Allele origin: germline.

NM_002335.4(LRP5):c.4772C>T (p.Pro1591Leu)

Gene: LRP5 (LDL receptor related protein 5; plus strand). Cytogenetic location: 11q13.2.
Variant type: single nucleotide variant.
Coding change: c.4772C>T on transcript NM_002335.4 (MANE Select); coding-DNA position 4772, C replaced by T.
Protein change: p.Pro1591Leu; replaces proline 1591 with leucine.
Molecular consequence: missense variant.
Genome position (GRCh38, 1-based): chr11:68,448,994, C>T. VCF-style: chr11-68448994-C-T. GRCh37 (hg19) VCF-style: chr11-68216462-C-T.
Other names: c.3029C>T, p.Pro1010Leu (NM_001291902.2); short protein forms P1010L, P1591L.
Identifiers: ClinVar variation 1481321 (VCV001481321.7), dbSNP rs766194797, ClinGen allele CA6150505.